The following is an entry in ClinVar:

NM_000321.3(RB1):c.540-1G>A

Gene: RB1 (RB transcriptional corepressor 1; plus strand). Cytogenetic location: 13q14.2.
Variant type: single nucleotide variant.
Coding change: c.540-1G>A on transcript NM_000321.3 (MANE Select); the canonical splice acceptor site of the intron before coding-DNA position 540, G replaced by A.
Molecular consequence: splice acceptor variant.
Genome position (GRCh38, 1-based): chr13:48,348,955, G>A. VCF-style: chr13-48348955-G-A. GRCh37 (hg19) VCF-style: chr13-48923091-G-A.
Other names: c.540-1G>A (NM_001407165.1, NM_001407166.1).
Identifiers: ClinVar variation 2736021 (VCV002736021.5), dbSNP rs2542165690, ClinGen allele CA388156875.

ClinVar aggregate classification (germline): Pathogenic. Review status: criteria provided, multiple submitters, no conflicts (2 of 4 stars). 3 submissions from 3 submitters: Pathogenic (3). Last evaluated 2026-05-29.

Conditions:
Retinoblastoma (RB1). Also called: RETINOBLASTOMA, SOMATIC. Identifiers: Orphanet 790, MedGen C0035335, MeSH D012175, MONDO:0008380, OMIM 180200, HP:0009919. Disease mechanism: loss of function. Inheritance: Both sporadic and heritable forms are tested..

Submissions (3):

Diller/Parad Lab, Dana-Farber/Harvard Cancer Center
Classification: Pathogenic for Retinoblastoma. Last evaluated: 2026-05-29. Review status: criteria provided, single submitter. Criteria: ACMG Guidelines, 2015. Collection method: research. Allele origin: germline. Affected: yes.
Comment: It has been classified as Pathogenic using Richards et al (PMID:25741868) based on the following evidence codes: PM2, PVS1, PP3, .

Genetic Diagnostic Laboratory, University of Pennsylvania School of Medicine
Classification: Pathogenic for Retinoblastoma. Last evaluated: 2024-05-20. Review status: criteria provided, single submitter. Criteria: ACMG Guidelines, 2015. Collection method: clinical testing. Allele origin: germline. Affected: yes. Observed: 1 variant allele.
Comment: Case and Pedigree Information: BILATERAL CASES:1, UNILATERAL CASES:0, TOTAL CASES:1, PEDIGREES:1. ACMG Codes Applied:PVS1, PM2

Labcorp Genetics (formerly Invitae), Labcorp
Classification: Pathogenic for Retinoblastoma. Last evaluated: 2023-01-17. Review status: criteria provided, single submitter. Criteria: Invitae Variant Classification Sherloc (09022015). Collection method: clinical testing. Allele origin: germline.
Comment: For these reasons, this variant has been classified as Pathogenic. Algorithms developed to predict the effect of sequence changes on RNA splicing suggest that this variant may disrupt the consensus splice site. Disruption of this splice site has been observed in individual(s) with retinoblastoma (PMID: 8364580, 28193182, 33456302). In at least one individual the variant was observed to be de novo. This variant is not present in population databases (gnomAD no frequency). This sequence change affects an acceptor splice site in intron 5 of the RB1 gene. It is expected to disrupt RNA splicing. Variants that disrupt the donor or acceptor splice site typically lead to a loss of protein function (PMID: 16199547), and loss-of-function variants in RB1 are known to be pathogenic (PMID: 17096365).

Literature cited by the submitters: PubMed 8364580 (cited by Labcorp Genetics (formerly Invitae), Labcorp); PubMed 28193182 (cited by Labcorp Genetics (formerly Invitae), Labcorp); PubMed 33456302 (cited by Labcorp Genetics (formerly Invitae), Labcorp); PubMed 16199547 (cited by Labcorp Genetics (formerly Invitae), Labcorp); PubMed 17096365 (cited by Labcorp Genetics (formerly Invitae), Labcorp).